The following is an entry in ClinVar:

ClinVar aggregate classification (germline): Uncertain significance (1 of 4 stars; one submission).

Conditions:
Kabuki syndrome 2 (KABUK2). Also called: KDM6A-Related Kabuki Syndrome. Identifiers: Orphanet 2322, MedGen C3275495, MONDO:0010465, OMIM 300867.

gnomAD v4.1: 2 of 1,207,009 alleles (0.00017%); highest among the groups gnomAD compares: Non-Finnish European, 0.00011%; no homozygotes.

Submission:

Labcorp Genetics (formerly Invitae), Labcorp
Classification: Uncertain significance for Kabuki syndrome 2. Last evaluated: 2025-06-02. Review status: criteria provided, single submitter. Criteria: Invitae Variant Classification Sherloc (09022015). Collection method: clinical testing. Allele origin: germline.
Comment: This sequence change replaces leucine, which is neutral and non-polar, with phenylalanine, which is neutral and non-polar, at codon 615 of the KDM6A protein (p.Leu615Phe). This variant is present in population databases (rs112725812, gnomAD 0.001%). This missense change has been observed in individual(s) with Kabuki syndrome (PMID: 30107592). ClinVar contains an entry for this variant (Variation ID: 3704501). Invitae Evidence Modeling of protein sequence and biophysical properties (such as structural, functional, and spatial information, amino acid conservation, physicochemical variation, residue mobility, and thermodynamic stability) indicates that this missense variant is not expected to disrupt KDM6A protein function with a negative predictive value of 80%. In summary, the available evidence is currently insufficient to determine the role of this variant in disease. Therefore, it has been classified as a Variant of Uncertain Significance.

Literature cited by the submitters: PubMed 30107592.

NM_001291415.2(KDM6A):c.1999C>T (p.Leu667Phe)

Gene: KDM6A (lysine demethylase 6A; plus strand). Cytogenetic location: Xp11.3.
Variant type: single nucleotide variant.
Coding change: c.1999C>T on transcript NM_001291415.2 (MANE Select); coding-DNA position 1999, C replaced by T.
Protein change: p.Leu667Phe; replaces leucine 667 with phenylalanine.
Molecular consequence: missense variant. On other transcripts: non-coding transcript variant (1).
Genome position (GRCh38, 1-based): chrX:45,063,737, C>T. VCF-style: chrX-45063737-C-T. GRCh37 (hg19) VCF-style: chrX-44922982-C-T.
Other names: c.1999C>T, p.Leu667Phe (NM_001419809.1); c.1897C>T, p.Leu633Phe (NM_001419810.1, NM_001419813.1); c.1864C>T, p.Leu622Phe (NM_001419811.1, NM_001291416.2); c.1843C>T, p.Leu615Phe (NM_001419812.1, NM_021140.4); c.1741C>T, p.Leu581Phe (NM_001419814.1, NM_001410742.1); c.1606C>T, p.Leu536Phe (NM_001419815.1, NM_001291418.2); c.1708C>T, p.Leu570Phe (NM_001291417.2); c.955C>T, p.Leu319Phe (NM_001291421.2); short protein forms L633F, L319F, L570F, L581F, L622F, L667F, L536F, L615F.
Identifiers: ClinVar variation 3704501 (VCV003704501.2).